The following is an entry in ClinVar:

NM_000075.4(CDK4):c.577A>G (p.Thr193Ala)

Gene: CDK4 (cyclin dependent kinase 4; minus strand). Cytogenetic location: 12q14.1.
Variant type: single nucleotide variant.
Coding change: c.577A>G on transcript NM_000075.4 (MANE Select); coding-DNA position 577, A replaced by G.
Protein change: p.Thr193Ala; replaces threonine 193 with alanine.
Molecular consequence: missense variant.
Genome position (GRCh38, 1-based): chr12:57,750,711, T>C on the plus strand (A>G on the coding strand, the complement: CDK4 is on the minus strand). VCF-style: chr12-57750711-T-C. GRCh37 (hg19) VCF-style: chr12-58144494-T-C.
Other names: short protein forms T193A.
Identifiers: ClinVar variation 2586837 (VCV002586837.2), dbSNP rs543769986, ClinGen allele CA385545804.

ClinVar aggregate classification (germline): Uncertain significance (1 of 4 stars; one submission).

Conditions:
Hereditary cancer-predisposing syndrome. Also called: Hereditary neoplastic syndrome; Tumor predisposition; Hereditary Cancer Syndrome; Neoplastic Syndromes, Hereditary. Identifiers: Orphanet 140162, MedGen C0027672, MeSH D009386, MONDO:0015356.

Submission:

Ambry Genetics
Classification: Uncertain significance for Hereditary cancer-predisposing syndrome. Last evaluated: 2023-07-31. Review status: criteria provided, single submitter. Criteria: Ambry Variant Classification Scheme 2023. Collection method: clinical testing. Allele origin: germline.
Comment: The p.T193A variant (also known as c.577A>G), located in coding exon 4 of the CDK4 gene, results from an A to G substitution at nucleotide position 577. The threonine at codon 193 is replaced by alanine, an amino acid with similar properties. This amino acid position is highly conserved in available vertebrate species. In addition, the in silico prediction for this alteration is inconclusive. Since supporting evidence is limited at this time, the clinical significance of this alteration remains unclear.